The following is an entry in ClinVar:

NM_002332.3(LRP1):c.5874C>T (p.Asp1958=)

Gene: LRP1 (LDL receptor related protein 1; plus strand). Cytogenetic location: 12q13.3.
Variant type: single nucleotide variant.
Coding change: c.5874C>T on transcript NM_002332.3 (MANE Select); coding-DNA position 5874, C replaced by T.
Protein change: p.Asp1958=; no amino-acid change (aspartic acid 1958 retained).
Molecular consequence: synonymous variant.
Genome position (GRCh38, 1-based): chr12:57,183,854, C>T. VCF-style: chr12-57183854-C-T. GRCh37 (hg19) VCF-style: chr12-57577637-C-T.
Identifiers: ClinVar variation 773262 (VCV000773262.30), dbSNP rs138993371, ClinGen allele CA6643649.
Genomic context (GRCh38, chr12:57,183,854, plus strand): 5'-GGTGGACATGGGCCTGAGCACGATCAGCCGGGCCAAGCGGGACCAGACGTGGCGTGAAGA[C>T]GTGGTGACCAATGGCATTGGCCGTGTGGAGGGCATTGCAGTGGACTGGATCGCAGGTGAG-3'
Protein context (NP_002323.2, residues 1948-1968): RAKRDQTWRE[Asp1958=]VVTNGIGRVE

ClinVar aggregate classification (germline): Benign/Likely benign. Review status: criteria provided, multiple submitters, no conflicts (2 of 4 stars). 4 submissions from 4 submitters: Benign (2); Likely benign (2). Last evaluated 2026-03-01.

Allele frequency attached by ClinVar (database versions not stated): 1000 Genomes Project 0.00180; 1000 Genomes Project 30x 0.00187; ESP Exome Variant Server 0.00454; gnomAD 0.00472 and 0.00475; gnomAD exomes 0.00480 and 0.00634; ExAC 0.00499; TOPMed 0.00531.
gnomAD v4.1: 10,031 of 1,614,140 alleles (0.62%); highest among the groups gnomAD compares: Middle Eastern, 1.2%; 37 homozygotes.

Submissions (4):

CeGaT Center for Human Genetics Tuebingen
Classification: Likely benign. Last evaluated: 2026-03-01. Review status: criteria provided, single submitter. Criteria: CeGaT Center For Human Genetics Tuebingen Variant Classification Criteria Version 2. Collection method: clinical testing. Allele origin: germline. Affected: yes. Observed: 9 variant alleles.
Comment: LRP1: BP4, BP7, BS2

Blueprint Genetics
Classification: Likely benign. Last evaluated: 2024-11-26. Review status: criteria provided, single submitter. Criteria: ACMG Guidelines, 2015. Collection method: clinical testing. Allele origin: germline.

Labcorp Genetics (formerly Invitae), Labcorp
Classification: Benign. Last evaluated: 2019-12-31. Review status: criteria provided, single submitter. Criteria: Invitae Variant Classification Sherloc (09022015). Collection method: clinical testing. Allele origin: germline.

Breakthrough Genomics
Classification: Benign. Review status: criteria provided, single submitter. Criteria: ACMG Guidelines, 2015. Collection method: not provided. Allele origin: germline. Inheritance: Autosomal recessive inheritance. Affected: yes.